The following is an entry in ClinVar:

NM_001844.5(COL2A1):c.508C>T (p.Pro170Ser)

Gene: COL2A1 (collagen type II alpha 1 chain; minus strand). Cytogenetic location: 12q13.11.
Variant type: single nucleotide variant.
Coding change: c.508C>T on transcript NM_001844.5 (MANE Select); coding-DNA position 508, C replaced by T.
Protein change: p.Pro170Ser; replaces proline 170 with serine.
Molecular consequence: missense variant.
Genome position (GRCh38, 1-based): chr12:47,997,629, G>A on the plus strand (C>T on the coding strand, the complement: COL2A1 is on the minus strand). VCF-style: chr12-47997629-G-A. GRCh37 (hg19) VCF-style: chr12-48391412-G-A.
Other names: c.301C>T, p.Pro101Ser (NM_033150.3); short protein forms P170S, P101S.
Identifiers: ClinVar variation 451900 (VCV000451900.12), dbSNP rs200882049, ClinGen allele CA6535912.

ClinVar aggregate classification (germline): Conflicting classifications of pathogenicity. Review status: criteria provided, conflicting classifications (1 of 4 stars). 3 submissions from 3 submitters: Uncertain significance (1); Benign (1); Likely benign (1). Last evaluated 2024-10-22.

Allele frequency attached by ClinVar (database versions not stated): gnomAD 0.00028 and 0.00031.
gnomAD v4.1: 184 of 1,613,716 alleles (0.011%); highest among the groups gnomAD compares: Non-Finnish European, 0.0016%; no homozygotes.

Submissions (3):

Blueprint Genetics
Classification: Likely benign. Last evaluated: 2024-10-22. Review status: criteria provided, single submitter. Criteria: ACMG Guidelines, 2015. Collection method: clinical testing. Allele origin: germline.

GeneDx
Classification: Uncertain significance. Last evaluated: 2024-06-07. Review status: criteria provided, single submitter. Criteria: GeneDx Variant Classification Process June 2021. Collection method: clinical testing. Allele origin: germline. Affected: yes.
Comment: In silico analysis supports that this missense variant has a deleterious effect on protein structure/function; Has not been previously published as pathogenic or benign to our knowledge; Not located in the triple helical region, where the majority of pathogenic missense variants occur (HGMD)

Labcorp Genetics (formerly Invitae), Labcorp
Classification: Benign. Last evaluated: 2023-04-14. Review status: criteria provided, single submitter. Criteria: Invitae Variant Classification Sherloc (09022015). Collection method: clinical testing. Allele origin: germline.